The following is an entry in ClinVar:

NM_001099857.5(IKBKG):c.68A>G (p.Asp23Gly)

Gene: IKBKG (inhibitor of nuclear factor kappa B kinase regulatory subunit gamma; plus strand). Cytogenetic location: Xq28.
Variant type: single nucleotide variant.
Coding change: c.68A>G on transcript NM_001099857.5 (MANE Select); coding-DNA position 68, A replaced by G.
Protein change: p.Asp23Gly; replaces aspartic acid 23 with glycine.
Molecular consequence: missense variant. On other transcripts: non-coding transcript variant (1).
Genome position (GRCh38, 1-based): chrX:154,552,070, A>G. VCF-style: chrX-154552070-A-G. GRCh37 (hg19) VCF-style: chrX-153780285-A-G.
Other names: c.272A>G, p.Asp91Gly (NM_001099856.6); c.68A>G, p.Asp23Gly (NM_001145255.4, NM_001321396.3, NM_001321397.3 and 5 more transcripts); short protein forms D23G, D91G.
Identifiers: ClinVar variation 5016928 (VCV005016928.1).
Genomic context (GRCh38, chrX:154,552,070, plus strand): 5'-GGCACCTCTGGAAGAGCCAACTGTGTGAGATGGTGCAGCCCAGTGGTGGCCCGGCAGCAG[A>G]TCAGGACGTACTGGGCGAAGAGTCTCCTCTGGGGAAGCCAGCCATGCTGCACCTGCCTTC-3'
Protein context (NP_001093327.1, residues 13-33): MVQPSGGPAA[Asp23Gly]QDVLGEESPL

ClinVar aggregate classification (germline): Uncertain significance (1 of 4 stars; one submission).

Submission:

GeneDx
Classification: Uncertain significance. Last evaluated: 2026-03-26. Review status: criteria provided, single submitter. Criteria: GeneDx Variant Classification Process June 2021. Collection method: clinical testing. Allele origin: germline.
Comment: Not observed at significant frequency in large population cohorts (gnomAD); In silico analysis suggests that this missense variant does not alter protein structure/function; Has not been previously published as pathogenic or benign to our knowledge